The following is an entry in ClinVar:

ClinVar aggregate classification (germline): Conflicting classifications of pathogenicity. Review status: criteria provided, conflicting classifications (1 of 4 stars). 2 submissions from 2 submitters: Uncertain significance (1); Likely benign (1). Last evaluated 2024-04-10.

Conditions:
Adams-Oliver syndrome 5 (AOS5). Identifiers: Orphanet 974, MedGen C4014970, MONDO:0014459, OMIM 616028.
Familial thoracic aortic aneurysm and aortic dissection (TAAD). Also called: Thoracic aortic aneurysms and dissections. Identifiers: Orphanet 91387, MedGen C4707243, MONDO:0019625.

Submissions (2):

Labcorp Genetics (formerly Invitae), Labcorp
Classification: Likely benign for Adams-Oliver syndrome 5. Last evaluated: 2024-04-10. Review status: criteria provided, single submitter. Criteria: Invitae Variant Classification Sherloc (09022015). Collection method: clinical testing. Allele origin: germline.

Ambry Genetics
Classification: Uncertain significance for Familial thoracic aortic aneurysm and aortic dissection. Last evaluated: 2022-03-08. Review status: criteria provided, single submitter. Criteria: Ambry Variant Classification Scheme 2023. Collection method: clinical testing. Allele origin: germline.
Comment: The p.R879L variant (also known as c.2636G>T), located in coding exon 17 of the NOTCH1 gene, results from a G to T substitution at nucleotide position 2636. The arginine at codon 879 is replaced by leucine, an amino acid with dissimilar properties. This amino acid position is conserved. In addition, this alteration is predicted to be tolerated by in silico analysis. Since supporting evidence is limited at this time, the clinical significance of this alteration remains unclear.

NM_017617.5(NOTCH1):c.2636G>T (p.Arg879Leu)

Gene: NOTCH1 (notch receptor 1; minus strand). Cytogenetic location: 9q34.3.
Variant type: single nucleotide variant.
Coding change: c.2636G>T on transcript NM_017617.5 (MANE Select); coding-DNA position 2636, G replaced by T.
Protein change: p.Arg879Leu; replaces arginine 879 with leucine.
Molecular consequence: missense variant.
Genome position (GRCh38, 1-based): chr9:136,510,757, C>A on the plus strand (G>T on the coding strand, the complement: NOTCH1 is on the minus strand). VCF-style: chr9-136510757-C-A. GRCh37 (hg19) VCF-style: chr9-139405209-C-A.
Other names: c.2636G>T, p.Arg879Leu (LRG_1122t1); short protein forms R879L.
Identifiers: ClinVar variation 544161 (VCV000544161.10), dbSNP rs368011392, ClinGen allele CA5341219.